The following is an entry in ClinVar:

ClinVar aggregate classification (germline): Likely pathogenic (1 of 4 stars; one submission).

Conditions:
Ehlers-Danlos syndrome, classic type, 1 (EDSCL1). Also called: EHLERS-DANLOS SYNDROME, GRAVIS TYPE; EHLERS-DANLOS SYNDROME, SEVERE CLASSIC TYPE; Ehlers-Danlos syndrome, type 1; Ehlers-Danlos Syndrome, Classic Type, COL5A1-Related; EDS I. Identifiers: MedGen C0268335, MONDO:0019567, OMIM 130000.
Osteogenesis imperfecta type I (OI1). Also called: OI, TYPE I; OSTEOGENESIS IMPERFECTA TARDA; OSTEOGENESIS IMPERFECTA WITH BLUE SCLERAE; Osteogenesis imperfecta type 1; Lobstein's Disease; Lobstein disease. Identifiers: Orphanet 216796, Orphanet 666, MedGen C0023931, MONDO:0008146, OMIM 166200. Disease mechanism: loss of function.

Submission:

Labcorp Genetics (formerly Invitae), Labcorp
Classification: Likely pathogenic for Osteogenesis imperfecta type I; Ehlers-Danlos syndrome, classic type, 1. Last evaluated: 2025-06-09. Review status: criteria provided, single submitter. Criteria: Invitae Variant Classification Sherloc (09022015). Collection method: clinical testing. Allele origin: germline.
Comment: This sequence change replaces lysine, which is basic and polar, with asparagine, which is neutral and polar, at codon 264 of the COL1A2 protein (p.Lys264Asn). This variant is not present in population databases (gnomAD no frequency). This missense change has been observed in individual(s) with autosomal dominant osteogenesis imperfecta (PMID: 21520333). ClinVar contains an entry for this variant (Variation ID: 1518853). Experimental studies and prediction algorithms are not available or were not evaluated, and the functional significance of this variant is currently unknown. Algorithms developed to predict the effect of sequence changes on RNA splicing suggest that this variant may disrupt the consensus splice site. This variant disrupts the c.792G nucleotide in the COL1A2 gene. Other variant(s) that disrupt this nucleotide have been determined to be pathogenic (PMID: 31737030). This suggests that this nucleotide is clinically significant, and that variants that disrupt this position are likely to be disease-causing. In summary, the currently available evidence indicates that the variant is pathogenic, but additional data are needed to prove that conclusively. Therefore, this variant has been classified as Likely Pathogenic.

Literature cited by the submitters: PubMed 21520333; PubMed 31737030.

NM_000089.4(COL1A2):c.792G>C (p.Lys264Asn)

Gene: COL1A2 (collagen type I alpha 2 chain; plus strand). Cytogenetic location: 7q21.3.
Variant type: single nucleotide variant.
Coding change: c.792G>C on transcript NM_000089.4 (MANE Select); coding-DNA position 792, G replaced by C.
Protein change: p.Lys264Asn; replaces lysine 264 with asparagine.
Molecular consequence: missense variant.
Genome position (GRCh38, 1-based): chr7:94,408,823, G>C. VCF-style: chr7-94408823-G-C. GRCh37 (hg19) VCF-style: chr7-94038135-G-C.
Other names: short protein forms K264N.
Identifiers: ClinVar variation 1518853 (VCV001518853.8), dbSNP rs2115890442, ClinGen allele CA368220529.